The following is an entry in ClinVar:

NM_001378778.1(MPDZ):c.16+1G>C

Gene: MPDZ (multiple PDZ domain crumbs cell polarity complex component; minus strand). Cytogenetic location: 9p23.
Variant type: single nucleotide variant.
Coding change: c.16+1G>C on transcript NM_001378778.1 (MANE Select); the canonical splice donor site of the intron after coding-DNA position 16, G replaced by C.
Molecular consequence: splice donor variant.
Genome position (GRCh38, 1-based): chr9:13,250,299, C>G on the plus strand (G>C on the coding strand, the complement: MPDZ is on the minus strand). VCF-style: chr9-13250299-C-G. GRCh37 (hg19) VCF-style: chr9-13250298-C-G.
Other names: c.16+1G>C (NM_001375425.1, NM_001375420.1, NM_001375419.1 and 14 more transcripts).
Identifiers: ClinVar variation 4993209 (VCV004993209.1).

ClinVar aggregate classification (germline): Likely pathogenic (1 of 4 stars; one submission).

Conditions:
MPDZ-related disorder. Also called: MPDZ-related condition.

Submission:

PreventionGenetics, part of Exact Sciences
Classification: Likely pathogenic for MPDZ-related condition. Last evaluated: 2025-08-22. Review status: criteria provided, single submitter. Criteria: ACMG Guidelines, 2015. Collection method: clinical testing. Allele origin: germline.
Comment: The MPDZ c.16+1G>C variant is predicted to disrupt the GT donor site and interfere with normal splicing. To our knowledge, this variant has not been reported in the literature or in a large population database (gnomAD), indicating this variant is rare. Although no truncating variants in the 5' region of this variant has been reported in the literature, another truncating variant residing in the next exon has been classified as likely pathogenic in ClinVar (Variation ID: 1895790). Variants that disrupt the consensus splice donor site in MPDZ are expected to be pathogenic. This variant is interpreted as likely pathogenic.